The following is an entry in ClinVar:

NM_001042492.3(NF1):c.1278G>A (p.Trp426Ter)

Gene: NF1 (neurofibromin 1; plus strand). Cytogenetic location: 17q11.2.
Variant type: single nucleotide variant.
Coding change: c.1278G>A on transcript NM_001042492.3 (MANE Select); coding-DNA position 1278, G replaced by A.
Protein change: p.Trp426Ter; replaces tryptophan 426 with a stop codon.
Molecular consequence: nonsense.
Genome position (GRCh38, 1-based): chr17:31,206,257, G>A. VCF-style: chr17-31206257-G-A. GRCh37 (hg19) VCF-style: chr17-29533275-G-A.
Other names: c.1278G>A, p.Trp426Ter (NM_000267.4, NM_001128147.3); short protein forms W426*.
Identifiers: ClinVar variation 428962 (VCV000428962.18), dbSNP rs1131691085, ClinGen allele CA398999137.

ClinVar aggregate classification (germline): Pathogenic. Review status: criteria provided, multiple submitters, no conflicts (2 of 4 stars). 5 submissions from 5 submitters: Pathogenic (5). Last evaluated 2026-01-19.

Conditions:
Hereditary cancer-predisposing syndrome. Also called: Hereditary neoplastic syndrome; Tumor predisposition; Hereditary Cancer Syndrome; Neoplastic Syndromes, Hereditary. Identifiers: Orphanet 140162, MedGen C0027672, MeSH D009386, MONDO:0015356.
Neurofibromatosis, type 1 (NF1). Also called: Peripheral type neurofibromatosis; NEUROFIBROMATOSIS, TYPE I, SOMATIC; VON RECKLINGHAUSEN DISEASE; Neurofibromatosis, type I. Identifiers: Orphanet 636, MedGen C0027831, MONDO:0018975, OMIM 162200. Disease mechanism: loss of function.

Submissions (5):

Labcorp Genetics (formerly Invitae), Labcorp
Classification: Pathogenic for Neurofibromatosis, type 1. Last evaluated: 2026-01-19. Review status: criteria provided, single submitter. Criteria: Invitae Variant Classification Sherloc (09022015). Collection method: clinical testing. Allele origin: germline.
Comment: This sequence change creates a premature translational stop signal (p.Trp426*) in the NF1 gene. It is expected to result in an absent or disrupted protein product. Loss-of-function variants in NF1 are known to be pathogenic (PMID: 10712197, 23913538). This variant is not present in population databases (gnomAD no frequency). This premature translational stop signal has been observed in individual(s) with neurofibromatosis type 1 (PMID: 16944272, 26969325). Invitae Evidence Modeling of clinical and family history, age, sex, and reported ancestry of multiple individuals with this NF1 variant has been performed. This variant is expected to be pathogenic with a positive predictive value of at least 99%. This is a validated machine learning model that incorporates the clinical features of 1,785,918 individuals referred to our laboratory for NF1 testing. ClinVar contains an entry for this variant (Variation ID: 428962). For these reasons, this variant has been classified as Pathogenic.

Victorian Clinical Genetics Services, Murdoch Childrens Research Institute
Classification: Pathogenic for Neurofibromatosis, type 1. Last evaluated: 2025-07-16. Review status: criteria provided, single submitter. Criteria: ACMG Guidelines, 2015. Collection method: clinical testing. Allele origin: germline. Affected: yes.
Comment: This variant is classified as Pathogenic. Evidence in support of pathogenic classification: Variant is predicted to cause nonsense-mediated decay (NMD) and loss of protein (premature termination codon is located at least 54 nucleotides upstream of the final exon-exon junction); Variant is absent from gnomAD (v2, v3 and v4); This variant has strong previous evidence of pathogenicity in unrelated individuals. This variant has been classified as pathogenic by multiple clinical laboratories in ClinVar, and reported in multiple individuals in the literature (PMIDs: 16944272, 26969325, 34080803); Other NMD-predicted variant(s) comparable to the one identified in this case have very strong previous evidence for pathogenicity (ClinVar). Additional information: This variant is heterozygous; This gene is associated with autosomal dominant disease; Loss of function is a known mechanism of disease in this gene and is associated with neurofibromatosis, type 1 (MONDO:0018975); Variants in this gene are known to have variable expressivity. Disease manifestation can be extremely variable, even within a family (PMID: 20301288); Inheritance information for this variant is not currently available in this individual.

CeGaT Center for Human Genetics Tuebingen
Classification: Pathogenic. Last evaluated: 2025-03-01. Review status: criteria provided, single submitter. Criteria: CeGaT Center For Human Genetics Tuebingen Variant Classification Criteria Version 2. Collection method: clinical testing. Allele origin: germline. Affected: yes. Observed: 1 variant allele.
Comment: NF1: PVS1, PM2, PS2:Moderate, PS4:Moderate

GeneDx
Classification: Pathogenic. Last evaluated: 2021-05-25. Review status: criteria provided, single submitter. Criteria: GeneDx Variant Classification Process June 2021. Collection method: clinical testing. Allele origin: germline. Affected: yes.
Comment: Nonsense variant predicted to result in protein truncation or nonsense mediated decay in a gene for which loss-of-function is a known mechanism of disease; Not observed in large population cohorts (Lek 2016); Observed in individuals with a personal or family history consistent with pathogenic variants in this gene (Griffiths 2007, Hutter 2016); This variant is associated with the following publications: (PMID: 26969325, 25525159, 16944272)

Ambry Genetics
Classification: Pathogenic for Hereditary cancer-predisposing syndrome. Last evaluated: 2015-05-13. Review status: criteria provided, single submitter. Criteria: Ambry Autosomal Dominant and X-Linked criteria (10/2015). Collection method: clinical testing. Allele origin: germline. Observed: 1 variant allele.
Comment: The p.W426* pathogenic mutation (also known as c.1278G>A) located in coding exon 12 of the NF1 gene, results from a G to A substitution at nucleotide position 1278. This changes the amino acid from a tryptophan to a stop codon within coding exon 12. This mutation was seen in an individual who met NIHclinical criteria forNeurofibromatosistype 1 (NF1) (Griffiths S, et al. Fam. Cancer 2007 ; 6(1):21-34).In addition to the clinical data presented in the literature, since premature stop codons are typically deleterious in nature, this alteration is interpreted as a disease-causing mutation (ACMG Recommendations for Standards for Interpretation and Reporting of Sequence Variations. Revision 2007. Genet Med. 2008;10:294).

Literature cited by the submitters: PubMed 10712197 (cited by Labcorp Genetics (formerly Invitae), Labcorp); PubMed 23913538 (cited by Labcorp Genetics (formerly Invitae), Labcorp); PubMed 16944272 (cited by 3 submitters); PubMed 26969325 (cited by Labcorp Genetics (formerly Invitae), Labcorp and Victorian Clinical Genetics Services, Murdoch Childrens Research Institute); PubMed 20301288 (cited by Victorian Clinical Genetics Services, Murdoch Childrens Research Institute); PubMed 34080803 (cited by Victorian Clinical Genetics Services, Murdoch Childrens Research Institute).